The following is an entry in ClinVar:

NM_201253.3(CRB1):c.97A>G (p.Arg33Gly)

Gene: CRB1 (crumbs cell polarity complex component 1; plus strand). Cytogenetic location: 1q31.3.
Variant type: single nucleotide variant.
Coding change: c.97A>G on transcript NM_201253.3 (MANE Select); coding-DNA position 97, A replaced by G.
Protein change: p.Arg33Gly; replaces arginine 33 with glycine.
Molecular consequence: missense variant. On other transcripts: 5 prime UTR variant (1), non-coding transcript variant (2).
Genome position (GRCh38, 1-based): chr1:197,328,448, A>G. VCF-style: chr1-197328448-A-G. GRCh37 (hg19) VCF-style: chr1-197297578-A-G.
Other names: c.97A>G, p.Arg33Gly (NM_001193640.2, NM_001257966.2); c.-111A>G (NM_001257965.2); short protein forms R33G.
Identifiers: ClinVar variation 961858 (VCV000961858.5), dbSNP rs1452416023, ClinGen allele CA344085013.

ClinVar aggregate classification (germline): Uncertain significance. Review status: criteria provided, single submitter (1 of 4 stars). 2 submissions from 2 submitters: Uncertain significance (1). 1 of the submissions does not count toward it. Last evaluated 2021-08-27.

Conditions:
Retinitis pigmentosa 12 (RP12). Also called: RP WITH OR WITHOUT PRESERVED PARAARTERIOLE RETINAL PIGMENT EPITHELIUM; RETINITIS PIGMENTOSA WITH OR WITHOUT PARAARTERIOLAR PRESERVATION OF RETINAL PIGMENT EPITHELIUM; RP WITH OR WITHOUT PPRPE. Identifiers: Orphanet 791, MedGen C1838647, MONDO:0010818, OMIM 600105.
Leber congenital amaurosis 8 (LCA8). Identifiers: Orphanet 65, MedGen C3151202, MONDO:0013453, OMIM 613835.
Leber congenital amaurosis (LCA). Also called: Leber's amaurosis. Identifiers: Orphanet 65, MedGen C0339527, MeSH D057130, MONDO:0018998.

Allele frequency attached by ClinVar (database versions not stated): TOPMed 0.00001.
gnomAD v4.1: 1 of 1,613,944 alleles (0.000062%); highest among the groups gnomAD compares: Non-Finnish European, 0.000085%; no homozygotes.

Submissions (2):

Labcorp Genetics (formerly Invitae), Labcorp
Classification: Uncertain significance for Leber congenital amaurosis 8; Retinitis pigmentosa 12. Last evaluated: 2021-08-27. Review status: criteria provided, single submitter. Criteria: Invitae Variant Classification Sherloc (09022015). Collection method: clinical testing. Allele origin: germline.
Comment: This sequence change replaces arginine with glycine at codon 33 of the CRB1 protein (p.Arg33Gly). The arginine residue is moderately conserved and there is a moderate physicochemical difference between arginine and glycine. This variant is not present in population databases (ExAC no frequency). This variant has not been reported in the literature in individuals affected with CRB1-related conditions. Algorithms developed to predict the effect of missense changes on protein structure and function are either unavailable or do not agree on the potential impact of this missense change (SIFT: "Deleterious"; PolyPhen-2: "Benign"; Align-GVGD: "Class C0"). In summary, the available evidence is currently insufficient to determine the role of this variant in disease. Therefore, it has been classified as a Variant of Uncertain Significance.

Natera, Inc.
Classification: Uncertain significance for Leber congenital amaurosis. Last evaluated: 2021-03-09. Review status: no assertion criteria provided. Collection method: clinical testing. Allele origin: germline. Not counted in ClinVar's aggregate classification.